The following is an entry in ClinVar:

ClinVar aggregate classification (germline): Uncertain significance (1 of 4 stars; one submission).

Conditions:
TCF4-related disorder. Also called: TCF4-related condition.

Submission:

PreventionGenetics, part of Exact Sciences
Classification: Uncertain significance for TCF4-related condition. Last evaluated: 2023-01-26. Review status: criteria provided, single submitter. Criteria: ACMG Guidelines, 2015. Collection method: clinical testing. Allele origin: germline.
Comment: The TCF4 c.415C>G variant is predicted to result in the amino acid substitution p.Leu139Val. To our knowledge, this variant has not been reported in the literature or in a large population database, indicating this variant is rare. At this time, the clinical significance of this variant is uncertain due to the absence of conclusive functional and genetic evidence.

NM_001083962.2(TCF4):c.415C>G (p.Leu139Val)

Gene: TCF4 (transcription factor 4; minus strand). Cytogenetic location: 18q21.2.
Variant type: single nucleotide variant.
Coding change: c.415C>G on transcript NM_001083962.2 (MANE Select); coding-DNA position 415, C replaced by G.
Protein change: p.Leu139Val; replaces leucine 139 with valine.
Molecular consequence: missense variant.
Genome position (GRCh38, 1-based): chr18:55,350,958, G>C on the plus strand (C>G on the coding strand, the complement: TCF4 is on the minus strand). VCF-style: chr18-55350958-G-C. GRCh37 (hg19) VCF-style: chr18-53018189-G-C.
Other names: c.721C>G, p.Leu241Val (NM_001243226.3); c.343C>G, p.Leu115Val (NM_001243227.2, NM_001306207.1, NM_001348217.1 and 9 more transcripts); c.415C>G, p.Leu139Val (NM_001243228.2, NM_001330604.3, NM_001369567.1 and 5 more transcripts); c.409C>G, p.Leu137Val (NM_001243230.2); c.289C>G, p.Leu97Val (NM_001243231.2, NM_001348211.2); c.202C>G, p.Leu68Val (NM_001243232.1, NM_001306208.1); c.25C>G, p.Leu9Val (NM_001243233.2, NM_001330605.3, NM_001348212.2 and 1 more transcripts); c.340C>G, p.Leu114Val (NM_001348220.1, NM_001369576.1, NM_001369578.1 and 3 more transcripts); and 1 more; short protein forms L114V, L115V, L137V, L138V, L139V, L241V, L68V, L97V.
Identifiers: ClinVar variation 2629763 (VCV002629763.1), dbSNP rs2514751974, ClinGen allele CA402702633.